The following is an entry in ClinVar:

ClinVar aggregate classification (germline): Uncertain significance (1 of 4 stars; one submission).

gnomAD v4.1: 3 of 1,614,172 alleles (0.00019%); highest among the groups gnomAD compares: South Asian, 0.0022%; no homozygotes.

Submission:

Labcorp Genetics (formerly Invitae), Labcorp
Classification: Uncertain significance. Last evaluated: 2024-05-29. Review status: criteria provided, single submitter. Criteria: Invitae Variant Classification Sherloc (09022015). Collection method: clinical testing. Allele origin: germline.
Comment: This sequence change replaces aspartic acid, which is acidic and polar, with asparagine, which is neutral and polar, at codon 798 of the KCNQ5 protein (p.Asp798Asn). This variant is present in population databases (rs758127776, gnomAD 0.003%). This variant has not been reported in the literature in individuals affected with KCNQ5-related conditions. Advanced modeling of protein sequence and biophysical properties (such as structural, functional, and spatial information, amino acid conservation, physicochemical variation, residue mobility, and thermodynamic stability) performed at Invitae indicates that this missense variant is not expected to disrupt KCNQ5 protein function with a negative predictive value of 95%. In summary, the available evidence is currently insufficient to determine the role of this variant in disease. Therefore, it has been classified as a Variant of Uncertain Significance.

NM_019842.4(KCNQ5):c.2335G>A (p.Asp779Asn)

Gene: KCNQ5 (potassium voltage-gated channel subfamily Q member 5; plus strand). Cytogenetic location: 6q13.
Variant type: single nucleotide variant.
Coding change: c.2335G>A on transcript NM_019842.4 (MANE Select); coding-DNA position 2335, G replaced by A.
Protein change: p.Asp779Asn; replaces aspartic acid 779 with asparagine.
Molecular consequence: missense variant.
Genome position (GRCh38, 1-based): chr6:73,194,950, G>A. VCF-style: chr6-73194950-G-A. GRCh37 (hg19) VCF-style: chr6-73904673-G-A.
Other names: c.2308G>A, p.Asp770Asn (NM_001160130.2); c.2365G>A, p.Asp789Asn (NM_001160132.2); c.2392G>A, p.Asp798Asn (NM_001160133.2); c.2005G>A, p.Asp669Asn (NM_001160134.2); short protein forms D669N, D779N, D789N, D798N, D770N.
Identifiers: ClinVar variation 3635315 (VCV003635315.2).